The following is an entry in ClinVar:

NM_001371194.2(SEMA4D):c.1775G>A (p.Gly592Asp)

Gene: SEMA4D (semaphorin 4D; minus strand). Cytogenetic location: 9q22.2.
Variant type: single nucleotide variant.
Coding change: c.1775G>A on transcript NM_001371194.2 (MANE Select); coding-DNA position 1775, G replaced by A.
Protein change: p.Gly592Asp; replaces glycine 592 with aspartic acid.
Molecular consequence: missense variant. On other transcripts: intron variant (6).
Genome position (GRCh38, 1-based): chr9:89,379,518, C>T on the plus strand (G>A on the coding strand, the complement: SEMA4D is on the minus strand). VCF-style: chr9-89379518-C-T. GRCh37 (hg19) VCF-style: chr9-91994433-C-T.
Other names: c.1775G>A, p.Gly592Asp (NM_001371195.1, NM_001371196.1, NM_001371197.1 and 1 more transcripts); c.1663+1537G>A (NM_001371198.1, NM_001371201.1, NM_001371202.1 and 3 more transcripts); short protein forms G592D.
Identifiers: ClinVar variation 3056725 (VCV003056725.2), dbSNP rs45464494, ClinGen allele CA5118233.

ClinVar aggregate classification (germline): Benign (0 of 4 stars; one submission).

Conditions:
SEMA4D-related disorder. Also called: SEMA4D-related condition.

Allele frequency attached by ClinVar (database versions not stated): 1000 Genomes Project 30x 0.04138; 1000 Genomes Project 0.04373; TOPMed 0.05333; gnomAD 0.06129; ESP Exome Variant Server 0.06359; ExAC 0.07658; gnomAD exomes 0.07888.
gnomAD v4.1: 124,439 of 1,614,098 alleles (7.7%); highest among the groups gnomAD compares: South Asian, 11%; 5,478 homozygotes.

Submission:

PreventionGenetics, part of Exact Sciences
Classification: Benign for SEMA4D-related condition. Last evaluated: 2019-05-24. Review status: no assertion criteria provided. Collection method: clinical testing. Allele origin: germline.
Comment: This variant is classified as benign based on ACMG/AMP sequence variant interpretation guidelines (Richards et al. 2015 PMID: 25741868, with internal and published modifications).